The following is an entry in ClinVar:

NM_001134407.3(GRIN2A):c.1459A>G (p.Lys487Glu)

Gene: GRIN2A (glutamate ionotropic receptor NMDA type subunit 2A; minus strand). Cytogenetic location: 16p13.2.
Variant type: single nucleotide variant.
Coding change: c.1459A>G on transcript NM_001134407.3 (MANE Select); coding-DNA position 1459, A replaced by G.
Protein change: p.Lys487Glu; replaces lysine 487 with glutamic acid.
Molecular consequence: missense variant.
Genome position (GRCh38, 1-based): chr16:9,840,974, T>C on the plus strand (A>G on the coding strand, the complement: GRIN2A is on the minus strand). VCF-style: chr16-9840974-T-C. GRCh37 (hg19) VCF-style: chr16-9934831-T-C.
Other names: c.1459A>G, p.Lys487Glu (NM_000833.5, NM_001134408.2); short protein forms K487E.
Identifiers: ClinVar variation 4281932 (VCV004281932.1).

ClinVar aggregate classification (germline): Uncertain significance (1 of 4 stars; one submission).

Submission:

GeneDx
Classification: Uncertain significance. Last evaluated: 2025-04-07. Review status: criteria provided, single submitter. Criteria: GeneDx Variant Classification Process June 2021. Collection method: clinical testing. Allele origin: germline. Affected: yes.
Comment: Not observed at significant frequency in large population cohorts (gnomAD); In silico analysis supports that this missense variant has a deleterious effect on protein structure/function; Has not been previously published as pathogenic or benign to our knowledge; This variant is associated with the following publications: (PMID: 27839871)